The following is an entry in ClinVar:

NM_000069.3(CACNA1S):c.3658G>T (p.Gly1220Trp)

Gene: CACNA1S (calcium voltage-gated channel subunit alpha1 S; minus strand). Cytogenetic location: 1q32.1.
Variant type: single nucleotide variant.
Coding change: c.3658G>T on transcript NM_000069.3 (MANE Select); coding-DNA position 3658, G replaced by T.
Protein change: p.Gly1220Trp; replaces glycine 1220 with tryptophan.
Molecular consequence: missense variant.
Genome position (GRCh38, 1-based): chr1:201,054,513, C>A on the plus strand (G>T on the coding strand, the complement: CACNA1S is on the minus strand). VCF-style: chr1-201054513-C-A. GRCh37 (hg19) VCF-style: chr1-201023641-C-A.
Other names: short protein forms G1220W.
Identifiers: ClinVar variation 3075189 (VCV003075189.1), dbSNP rs776908038, ClinGen allele CA344155759.
Genomic context (GRCh38, chr1:201,054,513, plus strand): 5'-CAGGGCAGGAGCTGGTGAGCGTGCCAGGCAGGCTCGTGCAGCCTGAAATTACAACGTTCC[C>A]GCAGCCTCCACCCAGGCAATACAGTCCCCCGCTGGAGGCCAGGAAAGTCTGTGGAGAAAA-3'
Protein context (NP_000060.2, residues 1210-1230): GGLYCLGGGC[Gly1220Trp]NVDPDESARI

ClinVar aggregate classification (germline): Uncertain significance (1 of 4 stars; one submission).

Conditions:
Malignant hyperthermia, susceptibility to, 5 (MHS5). Also called: CACNA1S-Related Malignant Hyperthermia Susceptibility. Identifiers: Orphanet 423, MedGen C1866077, MONDO:0011163, OMIM 601887.

Submission:

All of Us Research Program, National Institutes of Health
Classification: Uncertain significance for Malignant hyperthermia, susceptibility to, 5. Last evaluated: 2023-12-18. Review status: criteria provided, single submitter. Criteria: ACMG Guidelines, 2015. Collection method: clinical testing. Allele origin: germline. Inheritance: Autosomal dominant inheritance. Observed: 1 variant allele, 1 heterozygote.
Comment: This missense variant replaces glycine with tryptophan at codon 1220 of the CACNA1S protein. Computational prediction is inconclusive regarding the impact of this variant on protein structure and function (internally defined REVEL score threshold 0.5 < inconclusive < 0.7, PMID: 27666373). To our knowledge, functional studies have not been reported for this variant. This variant has not been reported in individuals affected with CACNA1S-related disorders in the literature. This variant has not been identified in the general population by the Genome Aggregation Database (gnomAD). The available evidence is insufficient to determine the role of this variant in disease conclusively. Therefore, this variant is classified as a Variant of Uncertain Significance.

This study involves interpretation of variants in research participants for the purpose of population health screening. Participant phenotype was not available at the time of variant classification. Additional details can be found in publication PMID: 35346344, PMCID: PMC8962531